The following is an entry in ClinVar:

NM_004656.4(BAP1):c.38-13T>C

Gene: BAP1 (BRCA1 associated deubiquitinase 1; minus strand). Cytogenetic location: 3p21.1.
Variant type: single nucleotide variant.
Coding change: c.38-13T>C on transcript NM_004656.4 (MANE Select); 13 bases into the intron before coding-DNA position 38, T replaced by C.
Molecular consequence: intron variant.
Genome position (GRCh38, 1-based): chr3:52,409,756, A>G on the plus strand (T>C on the coding strand, the complement: BAP1 is on the minus strand). VCF-style: chr3-52409756-A-G. GRCh37 (hg19) VCF-style: chr3-52443772-A-G.
Identifiers: ClinVar variation 1614050 (VCV001614050.11), dbSNP rs1559593177, ClinGen allele CA1047970828.

ClinVar aggregate classification (germline): Conflicting classifications of pathogenicity. Review status: criteria provided, conflicting classifications (1 of 4 stars). 4 submissions from 4 submitters: Uncertain significance (1); Likely benign (3). Last evaluated 2026-01-11.

Conditions:
Hereditary cancer-predisposing syndrome. Also called: Tumor predisposition; Hereditary neoplastic syndrome; Neoplastic Syndromes, Hereditary; Hereditary Cancer Syndrome. Identifiers: Orphanet 140162, MedGen C0027672, MeSH D009386, MONDO:0015356.
BAP1-related tumor predisposition syndrome (TPDS1). Also called: BAP1 tumor predisposition syndrome; Tumor susceptibility linked to germline BAP1 mutations; COMMON Syndrome; TUMOR PREDISPOSITION SYNDROME 1. Identifiers: Orphanet 289539, MedGen C3280492, MONDO:0013692, OMIM 614327.

Allele frequency attached by ClinVar (database versions not stated): gnomAD 0.00001; gnomAD exomes 0.00001; TOPMed 0.00001.
gnomAD v4.1: 4 of 1,613,686 alleles (0.00025%); highest among the groups gnomAD compares: Non-Finnish European, 0.00034%; no homozygotes.

Submissions (4):

Labcorp Genetics (formerly Invitae), Labcorp
Classification: Likely benign for BAP1-related tumor predisposition syndrome. Last evaluated: 2026-01-11. Review status: criteria provided, single submitter. Criteria: Invitae Variant Classification Sherloc (09022015). Collection method: clinical testing. Allele origin: germline.

Myriad Genetics, Inc.
Classification: Likely benign for BAP1-related tumor predisposition syndrome. Last evaluated: 2024-07-11. Review status: criteria provided, single submitter. Criteria: Myriad Autosomal Dominant, Autosomal Recessive and X-Linked Classification Criteria (2023). Collection method: clinical testing. Allele origin: unknown.
Comment: This variant is considered likely benign. This variant is intronic and is not expected to impact mRNA splicing.

Color Diagnostics, LLC DBA Color Health
Classification: Likely benign for Hereditary cancer-predisposing syndrome. Last evaluated: 2024-01-29. Review status: criteria provided, single submitter. Criteria: ACMG Guidelines, 2015. Collection method: clinical testing. Allele origin: germline.

GeneDx
Classification: Uncertain significance. Last evaluated: 2022-07-06. Review status: criteria provided, single submitter. Criteria: GeneDx Variant Classification Process June 2021. Collection method: clinical testing. Allele origin: germline. Affected: yes.
Comment: Not observed at significant frequency in large population cohorts (gnomAD); In silico analysis supports that this variant does not alter splicing; Has not been previously published as pathogenic or benign to our knowledge